The following is an entry in ClinVar:

NM_002887.4(RARS1):c.1149C>A (p.Thr383=)

Gene: RARS1 (arginyl-tRNA synthetase 1; plus strand). Cytogenetic location: 5q34.
Variant type: single nucleotide variant.
Coding change: c.1149C>A on transcript NM_002887.4 (MANE Select); coding-DNA position 1149, C replaced by A.
Protein change: p.Thr383=; no amino-acid change (threonine 383 retained).
Molecular consequence: synonymous variant.
Genome position (GRCh38, 1-based): chr5:168,506,112, C>A. VCF-style: chr5-168506112-C-A. GRCh37 (hg19) VCF-style: chr5-167933117-C-A.
Identifiers: ClinVar variation 2656039 (VCV002656039.24), dbSNP rs750812686, ClinGen allele CA447557484.

ClinVar aggregate classification (germline): Likely benign (1 of 4 stars; one submission).

Submission:

CeGaT Center for Human Genetics Tuebingen
Classification: Likely benign. Last evaluated: 2023-04-01. Review status: criteria provided, single submitter. Criteria: CeGaT Center For Human Genetics Tuebingen Variant Classification Criteria Version 2. Collection method: clinical testing. Allele origin: germline. Affected: yes. Observed: 1 variant allele.
Comment: RARS1: PM2:Supporting, BP4, BP7